The following is an entry in ClinVar:

NM_018075.5(ANO10):c.1797+1G>A

Gene: ANO10 (anoctamin 10; minus strand). Cytogenetic location: 3p22.1.
Variant type: single nucleotide variant.
Coding change: c.1797+1G>A on transcript NM_018075.5 (MANE Select); the canonical splice donor site of the intron after coding-DNA position 1797, G replaced by A.
Molecular consequence: splice donor variant.
Genome position (GRCh38, 1-based): chr3:43,549,719, C>T on the plus strand (G>A on the coding strand, the complement: ANO10 is on the minus strand). VCF-style: chr3-43549719-C-T. GRCh37 (hg19) VCF-style: chr3-43591211-C-T.
Other names: c.1599+1G>A (NM_001346469.2, NM_001204832.3, NM_001346466.2); c.1797+1G>A (NM_001346468.2, NM_001346465.2, NM_001204831.3); c.1464+1G>A (NM_001204833.3); c.1227+1G>A (NM_001204834.3); c.1914+1G>A (NM_001346463.2, NM_001346464.2, NM_001346467.2).
Identifiers: ClinVar variation 585395 (VCV000585395.5), dbSNP rs1206950481, ClinGen allele CA352341525.

ClinVar aggregate classification (germline): Likely pathogenic. Review status: criteria provided, multiple submitters, no conflicts (2 of 4 stars). 3 submissions from 3 submitters: Likely pathogenic (3). Last evaluated 2024-05-13.

Conditions:
Autosomal recessive spinocerebellar ataxia 10. Identifiers: Orphanet 284289, MedGen C3150998, MONDO:0013392, OMIM 613728.

Allele frequency attached by ClinVar (database versions not stated): gnomAD 0.00001; gnomAD exomes 0.00001; TOPMed 0.00001.
gnomAD v4.1: 5 of 1,613,784 alleles (0.00031%); highest among the groups gnomAD compares: Non-Finnish European, 0.00025%; no homozygotes.

Submissions (3):

Fulgent Genetics
Classification: Likely pathogenic for Autosomal recessive spinocerebellar ataxia 10. Last evaluated: 2024-05-13. Review status: criteria provided, single submitter. Criteria: ACMG Guidelines, 2015. Collection method: clinical testing. Allele origin: germline.

Labcorp Genetics (formerly Invitae), Labcorp
Classification: Likely pathogenic. Last evaluated: 2023-10-14. Review status: criteria provided, single submitter. Criteria: Invitae Variant Classification Sherloc (09022015). Collection method: clinical testing. Allele origin: germline.
Comment: This sequence change affects a donor splice site in intron 11 of the ANO10 gene. It is expected to disrupt RNA splicing. Variants that disrupt the donor or acceptor splice site typically lead to a loss of protein function (PMID: 16199547), and loss-of-function variants in ANO10 are known to be pathogenic (PMID: 25089919). This variant is present in population databases (no rsID available, gnomAD 0.03%). This variant has not been reported in the literature in individuals affected with ANO10-related conditions. ClinVar contains an entry for this variant (Variation ID: 585395). Algorithms developed to predict the effect of sequence changes on RNA splicing suggest that this variant may disrupt the consensus splice site. In summary, the currently available evidence indicates that the variant is pathogenic, but additional data are needed to prove that conclusively. Therefore, this variant has been classified as Likely Pathogenic.

Athena Diagnostics
Classification: Likely pathogenic. Last evaluated: 2017-11-06. Review status: criteria provided, single submitter. Criteria: Athena Diagnostics Criteria. Collection method: clinical testing. Allele origin: germline.

Literature cited by the submitters: PubMed 16199547 (cited by Labcorp Genetics (formerly Invitae), Labcorp); PubMed 25089919 (cited by Labcorp Genetics (formerly Invitae), Labcorp).